The following is an entry in ClinVar:

ClinVar aggregate classification (germline): Uncertain significance (1 of 4 stars; one submission).

Conditions:
Inborn genetic diseases. Identifiers: MedGen C0950123, MeSH D030342.

Submission:

Ambry Genetics
Classification: Uncertain significance for Inborn genetic diseases. Last evaluated: 2020-06-30. Review status: criteria provided, single submitter. Criteria: Ambry Variant Classification Scheme 2023. Collection method: clinical testing. Allele origin: germline.
Comment: The alteration results in an amino acid change:_x000D_ _x000D_ The c.6149G>C (p.R2050P) alteration is located in coding exon 46 of the CACNA1E gene. This alteration results from a G to C substitution at nucleotide position 6149, causing the arginine (R) at amino acid position 2050 to be replaced by a proline (P). The alteration is not observed in population databases: _x000D_ _x000D_ Based on data from the Genome Aggregation Database (gnomAD), the CACNA1E c.6149G>C alteration was not observed, with coverage at this position. The altered amino acid is conserved throughout evolution:_x000D_ _x000D_ The p.R2050 amino acid is conserved in available vertebrate species. The alteration is predicted inconclusive by in silico modeling:_x000D_ _x000D_ The in silico prediction for the p.R2050P alteration is inconclusive. Based on insufficient or conflicting evidence, the clinical significance of this alteration remains unclear.

NM_001205293.3(CACNA1E):c.6149G>C (p.Arg2050Pro)

Gene: CACNA1E (calcium voltage-gated channel subunit alpha1 E; plus strand). Cytogenetic location: 1q25.3.
Variant type: single nucleotide variant.
Coding change: c.6149G>C on transcript NM_001205293.3 (MANE Select); coding-DNA position 6149, G replaced by C.
Protein change: p.Arg2050Pro; replaces arginine 2050 with proline.
Molecular consequence: missense variant.
Genome position (GRCh38, 1-based): chr1:181,794,985, G>C. VCF-style: chr1-181794985-G-C. GRCh37 (hg19) VCF-style: chr1-181764121-G-C.
Other names: c.6020G>C, p.Arg2007Pro (NM_000721.4); c.5963G>C, p.Arg1988Pro (NM_001205294.2); short protein forms R1988P, R2007P, R2050P.
Identifiers: ClinVar variation 985777 (VCV000985777.4), dbSNP rs775134582, ClinGen allele CA343632892.
Genomic context (GRCh38, chr1:181,794,985, plus strand): 5'-ATTCCTCGTGGTTGGAGGAATTCTCCATGGAGCGAAGCAGTGAAAATACCTACAAGTCCC[G>C]TCGCCGGAGTTACCACTCCTCCTTGCGGCTGTCAGCCCACCGCCTGAACTCTGATTCAGG-3'
Protein context (NP_001192222.1, residues 2040-2060): ERSSENTYKS[Arg2050Pro]RRSYHSSLRL